The following is an entry in ClinVar:

NM_006231.4(POLE):c.950T>C (p.Ile317Thr)

Gene: POLE (DNA polymerase epsilon, catalytic subunit; minus strand). Cytogenetic location: 12q24.33.
Variant type: single nucleotide variant.
Coding change: c.950T>C on transcript NM_006231.4 (MANE Select); coding-DNA position 950, T replaced by C.
Protein change: p.Ile317Thr; replaces isoleucine 317 with threonine.
Molecular consequence: missense variant.
Genome position (GRCh38, 1-based): chr12:132,676,164, A>G on the plus strand (T>C on the coding strand, the complement: POLE is on the minus strand). VCF-style: chr12-132676164-A-G. GRCh37 (hg19) VCF-style: chr12-133252750-A-G.
Other names: short protein forms I317T.
Identifiers: ClinVar variation 405617 (VCV000405617.22), dbSNP rs1060500783, ClinGen allele CA16614028.

ClinVar aggregate classification (germline): Uncertain significance. Review status: criteria provided, multiple submitters, no conflicts (2 of 4 stars). 6 submissions from 6 submitters: Uncertain significance (6). Last evaluated 2026-05-07.

Conditions:
POLE-related disorder. Also called: POLE-related disorders; POLE-related condition.
Hereditary cancer-predisposing syndrome. Also called: Neoplastic Syndromes, Hereditary; Tumor predisposition; Hereditary Cancer Syndrome; Hereditary neoplastic syndrome. Identifiers: Orphanet 140162, MedGen C0027672, MeSH D009386, MONDO:0015356.
Colorectal cancer, susceptibility to, 12 (CRCS12). Also called: COLORECTAL CANCER, SUSCEPTIBILITY TO, ON CHROMOSOME 12q24. Identifiers: Orphanet 220460, MedGen C3554460, MONDO:0014038, OMIM 615083.

Allele frequency attached by ClinVar (database versions not stated): gnomAD exomes below 0.00001 and 0.00001.
gnomAD v4.1: 7 of 1,613,190 alleles (0.00043%); highest among the groups gnomAD compares: East Asian, 0.0022%; no homozygotes.

Submissions (6):

PreventionGenetics, part of Exact Sciences
Classification: Uncertain significance for POLE-related condition. Last evaluated: 2026-05-07. Review status: criteria provided, single submitter. Criteria: ACMG Guidelines, 2015. Collection method: clinical testing. Allele origin: germline.
Comment: The POLE c.950T>C variant is predicted to result in the amino acid substitution p.Ile317Thr. To our knowledge, this variant has not been reported in the literature. This variant is reported in 0.0055% of alleles in individuals of East Asian descent in gnomAD. This variant is interpreted as uncertain in ClinVar (Variation ID: 405617). At this time, the clinical significance of this variant is uncertain due to the absence of conclusive functional and genetic evidence.

Labcorp Genetics (formerly Invitae), Labcorp
Classification: Uncertain significance. Last evaluated: 2025-10-07. Review status: criteria provided, single submitter. Criteria: Invitae Variant Classification Sherloc (09022015). Collection method: clinical testing. Allele origin: germline.
Comment: This sequence change replaces isoleucine, which is neutral and non-polar, with threonine, which is neutral and polar, at codon 317 of the POLE protein (p.Ile317Thr). This variant is present in population databases (no rsID available, gnomAD 0.006%). This variant has not been reported in the literature in individuals affected with POLE-related conditions. ClinVar contains an entry for this variant (Variation ID: 405617). Invitae Evidence Modeling of protein sequence and biophysical properties (such as structural, functional, and spatial information, amino acid conservation, physicochemical variation, residue mobility, and thermodynamic stability) indicates that this missense variant is expected to disrupt POLE protein function with a positive predictive value of 80%. In summary, the available evidence is currently insufficient to determine the role of this variant in disease. Therefore, it has been classified as a Variant of Uncertain Significance.

Ambry Genetics
Classification: Uncertain significance for Hereditary cancer-predisposing syndrome. Last evaluated: 2025-01-30. Review status: criteria provided, single submitter. Criteria: Ambry Variant Classification Scheme 2023. Collection method: clinical testing. Allele origin: germline.
Comment: The p.I317T variant (also known as c.950T>C), located in coding exon 10 of the POLE gene, results from a T to C substitution at nucleotide position 950. The isoleucine at codon 317 is replaced by threonine, an amino acid with similar properties. This amino acid position is well conserved in available vertebrate species. In addition, the in silico prediction for this alteration is inconclusive. Based on the available evidence, the clinical significance of this variant remains unclear.

Baylor Genetics
Classification: Uncertain significance for Colorectal cancer, susceptibility to, 12. Last evaluated: 2023-07-14. Review status: criteria provided, single submitter. Criteria: ACMG Guidelines, 2015. Collection method: clinical testing. Allele origin: unknown.

St. Jude Molecular Pathology, St. Jude Children's Research Hospital
Classification: Uncertain significance for Colorectal cancer, susceptibility to, 12. Last evaluated: 2022-08-16. Review status: criteria provided, single submitter. Criteria: St. Jude Assertion Criteria 2020. Collection method: clinical testing. Allele origin: germline.
Comment: The POLE c.950T>C (p.Ile317Thr) missense change has a maximum subpopulation frequency of 0.0055% in gnomAD v2.1.1. The in silico tool REVEL is inconclusive about a pathogenic or benign effect of this variant on protein function, and to our knowledge functional studies have not been performed. To our knowledge, this variant has not been reported in individuals with POLE-associated polyposis, FILS syndrome, or IMAGE-I syndrome. In summary, the evidence currently available is insufficient to determine the clinical significance of this variant. It has therefore been classified as of uncertain significance.

GeneDx
Classification: Uncertain significance. Last evaluated: 2019-08-09. Review status: criteria provided, single submitter. Criteria: GeneDx Variant Classification Process June 2021. Collection method: clinical testing. Allele origin: germline. Affected: yes.
Comment: Not observed at a significant frequency in large population cohorts (Lek 2016); Has not been previously published as pathogenic or benign to our knowledge